The following is an entry in ClinVar:

ClinVar aggregate classification (germline): Uncertain significance (1 of 4 stars; one submission).

Conditions:
Birt-Hogg-Dube syndrome. Also called: Birt Hogg Dubé syndrome. Identifiers: Orphanet 122, MedGen C0346010, MONDO:0800444.

Submission:

Labcorp Genetics (formerly Invitae), Labcorp
Classification: Uncertain significance for Birt-Hogg-Dube syndrome. Last evaluated: 2021-08-28. Review status: criteria provided, single submitter. Criteria: Invitae Variant Classification Sherloc (09022015). Collection method: clinical testing. Allele origin: germline.
Comment: In summary, the available evidence is currently insufficient to determine the role of this variant in disease. Therefore, it has been classified as a Variant of Uncertain Significance. Algorithms developed to predict the effect of missense changes on protein structure and function (SIFT, PolyPhen-2, Align-GVGD) all suggest that this variant is likely to be tolerated. This variant has not been reported in the literature in individuals affected with FLCN-related conditions. This variant is not present in population databases (ExAC no frequency). This sequence change replaces serine with cysteine at codon 459 of the FLCN protein (p.Ser459Cys). The serine residue is moderately conserved and there is a moderate physicochemical difference between serine and cysteine.

NM_144997.7(FLCN):c.1376C>G (p.Ser459Cys)

Gene: FLCN (folliculin; minus strand). Cytogenetic location: 17p11.2.
Variant type: single nucleotide variant.
Coding change: c.1376C>G on transcript NM_144997.7 (MANE Select); coding-DNA position 1376, C replaced by G.
Protein change: p.Ser459Cys; replaces serine 459 with cysteine.
Molecular consequence: missense variant.
Genome position (GRCh38, 1-based): chr17:17,215,241, G>C on the plus strand (C>G on the coding strand, the complement: FLCN is on the minus strand). VCF-style: chr17-17215241-G-C. GRCh37 (hg19) VCF-style: chr17-17118555-G-C.
Other names: c.1430C>G, p.Ser477Cys (NM_001353229.2); c.1376C>G, p.Ser459Cys (NM_001353230.2, NM_001353231.2); short protein forms S477C, S459C.
Identifiers: ClinVar variation 1378234 (VCV001378234.6), dbSNP rs377468280, ClinGen allele CA398531288.